The following is an entry in ClinVar:

ClinVar aggregate classification (germline): Benign. Review status: criteria provided, multiple submitters, no conflicts (2 of 4 stars). 3 submissions from 3 submitters: Benign (3). Last evaluated 2021-07-22.

Conditions:
Familial infantile myasthenia (CMS6). Also called: Congenital myasthenic syndrome type 6; MYASTHENIC SYNDROME, CONGENITAL, 6, PRESYNAPTIC; MYASTHENIC SYNDROME, PRESYNAPTIC, CONGENITAL, ASSOCIATED WITH EPISODIC APNEA. Identifiers: Orphanet 590, MedGen C0393929, MONDO:0009689, OMIM 254210.

Allele frequency attached by ClinVar (database versions not stated): 1000 Genomes Project 30x 0.79029; 1000 Genomes Project 0.79433; TOPMed 0.80465; gnomAD 0.82115 and 0.82308; ESP Exome Variant Server 0.83990; gnomAD exomes 0.88684.
gnomAD v4.1: 1,264,976 of 1,438,094 alleles (88%); highest among the groups gnomAD compares: Non-Finnish European, 91%; 559,778 homozygotes.

Submissions (3):

Genome-Nilou Lab
Classification: Benign for Familial infantile myasthenia. Last evaluated: 2021-07-22. Review status: criteria provided, single submitter. Criteria: ACMG Guidelines, 2015. Collection method: clinical testing. Allele origin: germline. Affected: no.

GeneDx
Classification: Benign. Last evaluated: 2018-06-16. Review status: criteria provided, single submitter. Criteria: GeneDx Variant Classification (06012015). Collection method: clinical testing. Allele origin: germline. Affected: yes.
Comment: This variant is considered likely benign or benign based on one or more of the following criteria: it is a conservative change, it occurs at a poorly conserved position in the protein, it is predicted to be benign by multiple in silico algorithms, and/or has population frequency not consistent with disease.

Breakthrough Genomics
Classification: Benign. Review status: criteria provided, single submitter. Criteria: ACMG Guidelines, 2015. Collection method: not provided. Allele origin: germline. Inheritance: Autosomal recessive inheritance. Affected: yes.

NM_020549.5(CHAT):c.1839+71C>T

Gene: CHAT (choline O-acetyltransferase; plus strand). Cytogenetic location: 10q11.23.
Variant type: single nucleotide variant.
Coding change: c.1839+71C>T on transcript NM_020549.5 (MANE Select); 71 bases into the intron after coding-DNA position 1839, C replaced by T.
Molecular consequence: intron variant.
Genome position (GRCh38, 1-based): chr10:49,655,519, C>T. VCF-style: chr10-49655519-C-T. GRCh37 (hg19) VCF-style: chr10-50863565-C-T.
Other names: c.1485+71C>T (NM_020984.4, NM_020985.4, NM_020986.4 and 2 more transcripts); c.1593+71C>T (NM_001142933.2).
Identifiers: ClinVar variation 678355 (VCV000678355.5), dbSNP rs7076926, ClinGen allele CA13189981.